The following is an entry in ClinVar:

NM_001159699.2(FHL1):c.742G>C (p.Gly248Arg)

Gene: FHL1 (four and a half LIM domains 1; plus strand). Cytogenetic location: Xq26.3.
Variant type: single nucleotide variant.
Coding change: c.742G>C on transcript NM_001159699.2 (MANE Select); coding-DNA position 742, G replaced by C.
Protein change: p.Gly248Arg; replaces glycine 248 with arginine.
Molecular consequence: missense variant. On other transcripts: non-coding transcript variant (1).
Genome position (GRCh38, 1-based): chrX:136,209,876, G>C. VCF-style: chrX-136209876-G-C. GRCh37 (hg19) VCF-style: chrX-135292035-G-C.
Other names: c.694G>C, p.Gly232Arg (NM_001159700.2, NM_001159704.1, NM_001167819.1 and 4 more transcripts); c.781G>C, p.Gly261Arg (NM_001159701.2); c.894G>C, p.Leu298Phe (NM_001159702.3, NM_001369326.1, NM_001369327.2 and 1 more transcripts); c.507G>C, p.Leu169Phe (NM_001159703.2); c.555G>C, p.Leu185Phe (NM_001330659.2); c.942G>C, p.Leu314Phe (NM_001440769.1); short protein forms L169F, G232R, G248R, G261R, L185F, L298F, L314F.
Identifiers: ClinVar variation 4705537 (VCV004705537.1).

ClinVar aggregate classification (germline): Uncertain significance (1 of 4 stars; one submission).

Conditions:
X-linked myopathy with postural muscle atrophy. Also called: FHL1-Related Emery-Dreifuss Muscular Dystrophy, X-Linked. Identifiers: Orphanet 178461, MedGen C2678055, MONDO:0010401, OMIM 300696.

gnomAD v4.1: 1 of 1,206,603 alleles (0.000083%); highest among the groups gnomAD compares: Non-Finnish European, 0.00011%; no homozygotes.

Submission:

Labcorp Genetics (formerly Invitae), Labcorp
Classification: Uncertain significance for X-linked myopathy with postural muscle atrophy. Last evaluated: 2025-12-16. Review status: criteria provided, single submitter. Criteria: Invitae Variant Classification Sherloc (09022015). Collection method: clinical testing. Allele origin: germline.
Comment: This sequence change replaces glycine, which is neutral and non-polar, with arginine, which is basic and polar, at codon 232 of the FHL1 protein (p.Gly232Arg). This variant is not present in population databases (gnomAD no frequency). This variant has not been reported in the literature in individuals affected with FHL1-related conditions. An algorithm developed to predict the effect of missense changes on protein structure and function (PolyPhen-2) suggests that this variant is likely to be tolerated. In summary, the available evidence is currently insufficient to determine the role of this variant in disease. Therefore, it has been classified as a Variant of Uncertain Significance.